The following is an entry in ClinVar:

NM_006531.5(IFT88):c.1972C>T (p.Leu658=)

Gene: IFT88 (intraflagellar transport 88; plus strand). Cytogenetic location: 13q12.11.
Variant type: single nucleotide variant.
Coding change: c.1972C>T on transcript NM_006531.5 (MANE Select); coding-DNA position 1972, C replaced by T.
Protein change: p.Leu658=; no amino-acid change (leucine 658 retained).
Molecular consequence: synonymous variant. On other transcripts: non-coding transcript variant (5).
Genome position (GRCh38, 1-based): chr13:20,653,898, C>T. VCF-style: chr13-20653898-C-T. GRCh37 (hg19) VCF-style: chr13-21228037-C-T.
Other names: c.1915C>T, p.Leu639= (NM_001318491.2, NM_001353575.2); c.1999C>T, p.Leu667= (NM_001318493.2, NM_001353565.2, NM_001353566.2 and 2 more transcripts); c.1972C>T, p.Leu658= (NM_001353568.2, NM_001353572.2); c.1897C>T, p.Leu633= (NM_001353569.2, NM_001353570.2, NM_001353576.2 and 1 more transcripts); c.1870C>T, p.Leu624= (NM_001353571.2, NM_001353578.2); c.1828C>T, p.Leu610= (NM_001353573.2); c.1813C>T, p.Leu605= (NM_001353574.2); c.1339C>T, p.Leu447= (NM_001353579.2); and 1 more.
Identifiers: ClinVar variation 2417509 (VCV002417509.8), dbSNP rs111838775, ClinGen allele CA6905598.
Genomic context (GRCh38, chr13:20,653,898, plus strand): 5'-TTTTATCTCTAATTTCATCTCATTTATTTATTTTATAGGCCTACACAAGTGAAATGGCAG[C>T]TGATGGTAGCTAGTTGTTTCAGAAGAAGTGGTAAATGCTTTAGTTTTATTCATTTTATAG-3'
Protein context (NP_006522.2, residues 648-668): LIQPTQVKWQ[Leu658=]MVASCFRRSG

ClinVar aggregate classification (germline): Likely benign. Review status: criteria provided, multiple submitters, no conflicts (2 of 4 stars). 2 submissions from 2 submitters: Likely benign (2). Last evaluated 2025-10-02.

Conditions:
IFT88-related disorder. Also called: IFT88-related condition.

Allele frequency attached by ClinVar (database versions not stated): ExAC 0.00002; gnomAD exomes 0.00002; TOPMed 0.00006; gnomAD 0.00012; 1000 Genomes Project 30x 0.00016; 1000 Genomes Project 0.00020.
gnomAD v4.1: 95 of 1,582,752 alleles (0.006%); highest among the groups gnomAD compares: African/African-American, 0.064%; 1 homozygote.

Submissions (2):

Labcorp Genetics (formerly Invitae), Labcorp
Classification: Likely benign. Last evaluated: 2025-10-02. Review status: criteria provided, single submitter. Criteria: Invitae Variant Classification Sherloc (09022015). Collection method: clinical testing. Allele origin: germline.

PreventionGenetics, part of Exact Sciences
Classification: Likely benign for IFT88-related condition. Last evaluated: 2025-06-24. Review status: criteria provided, single submitter. Criteria: ACMG Guidelines, 2015. Collection method: clinical testing. Allele origin: germline.
Comment: This variant is classified as likely benign based on ACMG/AMP sequence variant interpretation guidelines (Richards et al. 2015 PMID: 25741868, with internal and published modifications).